The following is an entry in ClinVar:

NM_004260.4(RECQL4):c.3370G>A (p.Gly1124Ser)

Gene: RECQL4 (RecQ like helicase 4; minus strand). Cytogenetic location: 8q24.3.
Variant type: single nucleotide variant.
Coding change: c.3370G>A on transcript NM_004260.4 (MANE Select); coding-DNA position 3370, G replaced by A.
Protein change: p.Gly1124Ser; replaces glycine 1124 with serine.
Molecular consequence: missense variant.
Genome position (GRCh38, 1-based): chr8:144,511,934, C>T on the plus strand (G>A on the coding strand, the complement: RECQL4 is on the minus strand). VCF-style: chr8-144511934-C-T. GRCh37 (hg19) VCF-style: chr8-145737317-C-T.
Other names: short protein forms G1124S.
Identifiers: ClinVar variation 660561 (VCV000660561.2), dbSNP rs1586790742, ClinGen allele CA372668138.

ClinVar aggregate classification (germline): Uncertain significance. Review status: criteria provided, multiple submitters, no conflicts (2 of 4 stars). 2 submissions from 2 submitters: Uncertain significance (2). Last evaluated 2024-11-23.

Conditions:
Inborn genetic diseases. Identifiers: MedGen C0950123, MeSH D030342.
Baller-Gerold syndrome (BGS). Also called: CRANIOSYNOSTOSIS WITH RADIAL DEFECTS. Identifiers: Orphanet 1225, MedGen C0265308, MONDO:0009039, OMIM 218600.

Submissions (2):

Ambry Genetics
Classification: Uncertain significance for Inborn genetic diseases. Last evaluated: 2024-11-23. Review status: criteria provided, single submitter. Criteria: Ambry Variant Classification Scheme 2023. Collection method: clinical testing. Allele origin: germline.
Comment: The p.G1124S variant (also known as c.3370G>A), located in coding exon 19 of the RECQL4 gene, results from a G to A substitution at nucleotide position 3370. The glycine at codon 1124 is replaced by serine, an amino acid with similar properties. This amino acid position is conserved. Based on the available evidence, the clinical significance of this variant remains unclear.

Labcorp Genetics (formerly Invitae), Labcorp
Classification: Uncertain significance for Baller-Gerold syndrome. Last evaluated: 2018-08-05. Review status: criteria provided, single submitter. Criteria: Invitae Variant Classification Sherloc (09022015). Collection method: clinical testing. Allele origin: germline.
Comment: This sequence change replaces glycine with serine at codon 1124 of the RECQL4 protein (p.Gly1124Ser). The glycine residue is moderately conserved and there is a small physicochemical difference between glycine and serine. This variant is not present in population databases (ExAC no frequency). This variant has not been reported in the literature in individuals with RECQL4-related disease. Algorithms developed to predict the effect of missense changes on protein structure and function output the following: SIFT: "Tolerated"; PolyPhen-2: "Benign"; Align-GVGD: "Class C0". The serine amino acid residue is found in multiple mammalian species, suggesting that this missense change does not adversely affect protein function. These predictions have not been confirmed by published functional studies and their clinical significance is uncertain. In summary, the available evidence is currently insufficient to determine the role of this variant in disease. Therefore, it has been classified as a Variant of Uncertain Significance.